The following is an entry in ClinVar:

ClinVar aggregate classification (germline): Uncertain significance (1 of 4 stars; one submission).

Conditions:
Cardiovascular phenotype. Identifiers: MedGen CN230736.

Submission:

Ambry Genetics
Classification: Uncertain significance for Cardiovascular phenotype. Last evaluated: 2020-07-15. Review status: criteria provided, single submitter. Criteria: Ambry Variant Classification Scheme 2023. Collection method: clinical testing. Allele origin: germline.
Comment: The p.A10725G variant (also known as c.32174C>G), located in coding exon 128 of the TTN gene, results from a C to G substitution at nucleotide position 32174. The alanine at codon 10725 is replaced by glycine, an amino acid with similar properties. This amino acid position is highly conserved in available vertebrate species. In addition, this alteration is predicted to be tolerated by in silico analysis. Since supporting evidence is limited at this time, the clinical significance of this alteration remains unclear.

NM_001267550.2(TTN):c.59369C>G (p.Ala19790Gly)

Genes: TTN (titin; minus strand), TTN-AS1 (TTN antisense RNA 1; plus strand), LOC126806424 (CDK7 strongly-dependent group 2 enhancer GRCh37_chr2:179456337-179457536; plus strand). Cytogenetic location: 2q31.2.
Variant type: single nucleotide variant.
Coding change: c.59369C>G on transcript NM_001267550.2 (MANE Select); coding-DNA position 59369, C replaced by G.
Protein change: p.Ala19790Gly; replaces alanine 19790 with glycine.
Molecular consequence: missense variant.
Genome position (GRCh38, 1-based): chr2:178,592,636, G>C on the plus strand (C>G on the coding strand, the complement: TTN is on the minus strand). VCF-style: chr2-178592636-G-C. GRCh37 (hg19) VCF-style: chr2-179457363-G-C.
Other names: c.54446C>G, p.Ala18149Gly (NM_001256850.1); c.32174C>G, p.Ala10725Gly (NM_003319.4); c.51665C>G, p.Ala17222Gly (NM_133378.4); c.32549C>G, p.Ala10850Gly (NM_133432.3); c.32750C>G, p.Ala10917Gly (NM_133437.4); short protein forms A19790G, A17222G, A18149G, A10725G, A10850G, A10917G.
Identifiers: ClinVar variation 1728998 (VCV001728998.2), dbSNP rs1410710532, ClinGen allele CA349493916.